The following is an entry in ClinVar:

ClinVar aggregate classification (germline): Uncertain significance (1 of 4 stars; one submission).

Conditions:
Bethlem myopathy 1A. Also called: Bethlem Muscular Dystrophy; MYOPATHY, BENIGN CONGENITAL, WITH CONTRACTURES; Bethlem myopathy 1. Identifiers: Orphanet 610, MedGen CN029274, MONDO:0024530, OMIM 158810.

Submission:

Labcorp Genetics (formerly Invitae), Labcorp
Classification: Uncertain significance for Bethlem myopathy 1A. Last evaluated: 2020-11-03. Review status: criteria provided, single submitter. Criteria: Invitae Variant Classification Sherloc (09022015). Collection method: clinical testing. Allele origin: germline.
Comment: In summary, the available evidence is currently insufficient to determine the role of this variant in disease. Therefore, it has been classified as a Variant of Uncertain Significance. This variant disrupts the c.1056+4A nucleotide in the COL6A1 gene. Other variant(s) that disrupt this nucleotide have been determined to be pathogenic (PMID: 27447704). This suggests that this nucleotide is clinically significant, and that variants that disrupt this position are likely to be disease-causing. Donor and acceptor splice site variants typically lead to a loss of protein function (PMID: 16199547), and loss-of-function variants in COL6A1 are known to be pathogenic (PMID: 21280092, 20976770). In addition, donor and acceptor splice site variants in COL6A1 that result in in-frame exon skipping have also been reported to cause autosomal dominant COL6A1-related conditions (PMID: 18366090). This variant has not been reported in the literature in individuals with COL6A1-related conditions. This variant is not present in population databases (ExAC no frequency). This sequence change falls in intron 14 of the COL6A1 gene. It does not directly change the encoded amino acid sequence of the COL6A1 protein, but it affects a nucleotide within the consensus splice site of the intron.

Literature cited by the submitters: PubMed 27447704; PubMed 16199547; PubMed 21280092; PubMed 20976770; PubMed 18366090.

NM_001848.3(COL6A1):c.1056+4A>C

Gene: COL6A1 (collagen type VI alpha 1 chain; plus strand). Cytogenetic location: 21q22.3.
Variant type: single nucleotide variant.
Coding change: c.1056+4A>C on transcript NM_001848.3 (MANE Select); 4 bases into the intron after coding-DNA position 1056, A replaced by C.
Molecular consequence: intron variant.
Genome position (GRCh38, 1-based): chr21:45,990,830, A>C. VCF-style: chr21-45990830-A-C. GRCh37 (hg19) VCF-style: chr21-47410744-A-C.
Identifiers: ClinVar variation 1025637 (VCV001025637.9), dbSNP rs886043433, ClinGen allele CA2392434469.